The following is an entry in ClinVar:

NM_001005242.3(PKP2):c.1140G>T (p.Glu380Asp)

Gene: PKP2 (plakophilin 2; minus strand). Cytogenetic location: 12p11.21.
Variant type: single nucleotide variant.
Coding change: c.1140G>T on transcript NM_001005242.3 (MANE Select); coding-DNA position 1140, G replaced by T.
Protein change: p.Glu380Asp; replaces glutamic acid 380 with aspartic acid.
Molecular consequence: missense variant.
Genome position (GRCh38, 1-based): chr12:32,868,957, C>A on the plus strand (G>T on the coding strand, the complement: PKP2 is on the minus strand). VCF-style: chr12-32868957-C-A. GRCh37 (hg19) VCF-style: chr12-33021891-C-A.
Other names: c.1140G>T, p.Glu380Asp (NM_001407155.1, NM_001407156.1, NM_001407157.1 and 2 more transcripts); c.813G>T, p.Glu271Asp (NM_001407158.1, NM_001407159.1, NM_001407160.1 and 1 more transcripts); short protein forms E271D, E380D.
Identifiers: ClinVar variation 1718996 (VCV001718996.5), dbSNP rs2541322115, ClinGen allele CA384359118.

ClinVar aggregate classification (germline): Uncertain significance (1 of 4 stars; one submission).

Conditions:
Arrhythmogenic right ventricular dysplasia 9 (ARVD9). Also called: ARRHYTHMOGENIC RIGHT VENTRICULAR DYSPLASIA, FAMILIAL, 9; Arrhythmogenic Right Ventricular Dysplasia/Cardiomyopathy 9. Identifiers: MedGen C1836906, MONDO:0012180, OMIM 609040.

Submission:

Labcorp Genetics (formerly Invitae), Labcorp
Classification: Uncertain significance for Arrhythmogenic right ventricular dysplasia 9. Last evaluated: 2022-09-07. Review status: criteria provided, single submitter. Criteria: Invitae Variant Classification Sherloc (09022015). Collection method: clinical testing. Allele origin: germline.
Comment: In summary, the available evidence is currently insufficient to determine the role of this variant in disease. Therefore, it has been classified as a Variant of Uncertain Significance. Algorithms developed to predict the effect of missense changes on protein structure and function are either unavailable or do not agree on the potential impact of this missense change (SIFT: "Tolerated"; PolyPhen-2: "Possibly Damaging"; Align-GVGD: "Class C15"). This variant has not been reported in the literature in individuals affected with PKP2-related conditions. This variant is not present in population databases (gnomAD no frequency). This sequence change replaces glutamic acid, which is acidic and polar, with aspartic acid, which is acidic and polar, at codon 380 of the PKP2 protein (p.Glu380Asp).